The following is an entry in ClinVar:

NM_006445.4(PRPF8):c.2716G>A (p.Val906Ile)

Gene: PRPF8 (pre-mRNA processing factor 8; minus strand). Cytogenetic location: 17p13.3.
Variant type: single nucleotide variant.
Coding change: c.2716G>A on transcript NM_006445.4 (MANE Select); coding-DNA position 2716, G replaced by A.
Protein change: p.Val906Ile; replaces valine 906 with isoleucine.
Molecular consequence: missense variant.
Genome position (GRCh38, 1-based): chr17:1,675,776, C>T on the plus strand (G>A on the coding strand, the complement: PRPF8 is on the minus strand). VCF-style: chr17-1675776-C-T. GRCh37 (hg19) VCF-style: chr17-1579070-C-T.
Other names: short protein forms V906I.
Identifiers: ClinVar variation 841945 (VCV000841945.8), dbSNP rs544253075, ClinGen allele CA286807269.

ClinVar aggregate classification (germline): Uncertain significance. Review status: criteria provided, multiple submitters, no conflicts (2 of 4 stars). 2 submissions from 2 submitters: Uncertain significance (2). Last evaluated 2026-04-13.

Conditions:
PRPF8-related disorder. Also called: PRPF8-related condition.

Allele frequency attached by ClinVar (database versions not stated): TOPMed 0.00005; 1000 Genomes Project 30x 0.00016; 1000 Genomes Project 0.00020; gnomAD 0.00001 and 0.00002; gnomAD exomes 0.00001.
gnomAD v4.1: 60 of 1,614,146 alleles (0.0037%); highest among the groups gnomAD compares: African/African-American, 0.0053%; no homozygotes.

Submissions (2):

PreventionGenetics, part of Exact Sciences
Classification: Uncertain significance for PRPF8-related condition. Last evaluated: 2026-04-13. Review status: criteria provided, single submitter. Criteria: ACMG Guidelines, 2015. Collection method: clinical testing. Allele origin: germline.
Comment: The PRPF8 c.2716G>A variant is predicted to result in the amino acid substitution p.Val906Ile. To our knowledge, this variant has not been reported in the literature. This variant is reported in 0.0080% of alleles in individuals of African descent in gnomAD. At this time, the clinical significance of this variant is uncertain due to the absence of conclusive functional and genetic evidence.

Labcorp Genetics (formerly Invitae), Labcorp
Classification: Uncertain significance. Last evaluated: 2022-06-27. Review status: criteria provided, single submitter. Criteria: Invitae Variant Classification Sherloc (09022015). Collection method: clinical testing. Allele origin: germline.
Comment: In summary, the available evidence is currently insufficient to determine the role of this variant in disease. Therefore, it has been classified as a Variant of Uncertain Significance. Algorithms developed to predict the effect of missense changes on protein structure and function (SIFT, PolyPhen-2, Align-GVGD) all suggest that this variant is likely to be tolerated. ClinVar contains an entry for this variant (Variation ID: 841945). This missense change has been observed in individual(s) with retinal degeneration (Invitae). This variant is present in population databases (rs544253075, gnomAD 0.008%). This sequence change replaces valine, which is neutral and non-polar, with isoleucine, which is neutral and non-polar, at codon 906 of the PRPF8 protein (p.Val906Ile).